The following is an entry in ClinVar:

NM_022765.4(MICAL1):c.2144A>G (p.His715Arg)

Gene: MICAL1 (microtubule associated monooxygenase, calponin and LIM domain containing 1; minus strand). Cytogenetic location: 6q21.
Variant type: single nucleotide variant.
Coding change: c.2144A>G on transcript NM_022765.4 (MANE Select); coding-DNA position 2144, A replaced by G.
Protein change: p.His715Arg; replaces histidine 715 with arginine.
Molecular consequence: missense variant.
Genome position (GRCh38, 1-based): chr6:109,447,156, T>C on the plus strand (A>G on the coding strand, the complement: MICAL1 is on the minus strand). VCF-style: chr6-109447156-T-C. GRCh37 (hg19) VCF-style: chr6-109768359-T-C.
Other names: c.1886A>G, p.His629Arg (NM_001159291.2); c.2201A>G, p.His734Arg (NM_001286613.2); short protein forms H734R, H629R, H715R.
Identifiers: ClinVar variation 2968189 (VCV002968189.3), dbSNP rs750076454, ClinGen allele CA3953046.

ClinVar aggregate classification (germline): Uncertain significance (1 of 4 stars; one submission).

Allele frequency attached by ClinVar (database versions not stated): ExAC 0.00002; gnomAD 0.00002; TOPMed 0.00002.
gnomAD v4.1: 7 of 1,613,962 alleles (0.00043%); highest among the groups gnomAD compares: African/African-American, 0.0067%; no homozygotes.

Submission:

Labcorp Genetics (formerly Invitae), Labcorp
Classification: Uncertain significance. Last evaluated: 2024-12-16. Review status: criteria provided, single submitter. Criteria: Invitae Variant Classification Sherloc (09022015). Collection method: clinical testing. Allele origin: germline.
Comment: This sequence change replaces histidine, which is basic and polar, with arginine, which is basic and polar, at codon 734 of the MICAL1 protein (p.His734Arg). This variant is present in population databases (rs750076454, gnomAD 0.01%). This variant has not been reported in the literature in individuals affected with MICAL1-related conditions. ClinVar contains an entry for this variant (Variation ID: 2968189). An algorithm developed to predict the effect of missense changes on protein structure and function outputs the following: PolyPhen-2: "Benign". The arginine amino acid residue is found in multiple mammalian species, which suggests that this missense change does not adversely affect protein function. In summary, the available evidence is currently insufficient to determine the role of this variant in disease. Therefore, it has been classified as a Variant of Uncertain Significance.